The following is an entry in ClinVar:

NM_002618.4(PEX13):c.122C>T (p.Thr41Ile)

Gene: PEX13 (peroxisomal biogenesis factor 13; plus strand). Cytogenetic location: 2p15.
Variant type: single nucleotide variant.
Coding change: c.122C>T on transcript NM_002618.4 (MANE Select); coding-DNA position 122, C replaced by T.
Protein change: p.Thr41Ile; replaces threonine 41 with isoleucine.
Molecular consequence: missense variant.
Genome position (GRCh38, 1-based): chr2:61,031,448, C>T. VCF-style: chr2-61031448-C-T. GRCh37 (hg19) VCF-style: chr2-61258583-C-T.
Other names: short protein forms T41I.
Identifiers: ClinVar variation 1494256 (VCV001494256.5), dbSNP rs1282669816, ClinGen allele CA346941015.

ClinVar aggregate classification (germline): Uncertain significance (1 of 4 stars; one submission).

Conditions:
Peroxisome biogenesis disorder 11A (Zellweger). Also called: Peroxisome biogenesis disorder 11A. Identifiers: Orphanet 912, MedGen C3554000, MONDO:0013949, OMIM 614883.

Allele frequency attached by ClinVar (database versions not stated): gnomAD exomes below 0.00001; gnomAD 0.00001.
gnomAD v4.1: 3 of 1,614,012 alleles (0.00019%); highest among the groups gnomAD compares: African/African-American, 0.0013%; no homozygotes.

Submission:

Labcorp Genetics (formerly Invitae), Labcorp
Classification: Uncertain significance for Peroxisome biogenesis disorder 11A (Zellweger). Last evaluated: 2021-08-28. Review status: criteria provided, single submitter. Criteria: Invitae Variant Classification Sherloc (09022015). Collection method: clinical testing. Allele origin: germline.
Comment: This sequence change replaces threonine with isoleucine at codon 41 of the PEX13 protein (p.Thr41Ile). The threonine residue is moderately conserved and there is a moderate physicochemical difference between threonine and isoleucine. This variant is not present in population databases (ExAC no frequency). This variant has not been reported in the literature in individuals affected with PEX13-related conditions. Algorithms developed to predict the effect of missense changes on protein structure and function (SIFT, PolyPhen-2, Align-GVGD) all suggest that this variant is likely to be tolerated. In summary, the available evidence is currently insufficient to determine the role of this variant in disease. Therefore, it has been classified as a Variant of Uncertain Significance.